The following is an entry in ClinVar:

ClinVar aggregate classification (germline): Uncertain significance. Review status: criteria provided, multiple submitters, no conflicts (2 of 4 stars). 2 submissions from 2 submitters: Uncertain significance (2). Last evaluated 2024-01-28.

Conditions:
Focal segmental glomerulosclerosis 6 (FSGS6). Identifiers: Orphanet 656, MedGen C3279905, MONDO:0013589, OMIM 614131.

Allele frequency attached by ClinVar (database versions not stated): gnomAD exomes below 0.00001; ExAC 0.00001; gnomAD 0.00001; TOPMed 0.00002.
gnomAD v4.1: 13 of 1,613,590 alleles (0.00081%); highest among the groups gnomAD compares: Non-Finnish European, 0.001%; no homozygotes.

Submissions (2):

Fulgent Genetics
Classification: Uncertain significance for Focal segmental glomerulosclerosis 6. Last evaluated: 2024-01-28. Review status: criteria provided, single submitter. Criteria: ACMG Guidelines, 2015. Collection method: clinical testing. Allele origin: germline.

Labcorp Genetics (formerly Invitae), Labcorp
Classification: Uncertain significance. Last evaluated: 2020-02-07. Review status: criteria provided, single submitter. Criteria: Invitae Variant Classification Sherloc (09022015). Collection method: clinical testing. Allele origin: germline.
Comment: In summary, the available evidence is currently insufficient to determine the role of this variant in disease. Therefore, it has been classified as a Variant of Uncertain Significance. Algorithms developed to predict the effect of missense changes on protein structure and function (SIFT, PolyPhen-2, Align-GVGD) all suggest that this variant is likely to be disruptive, but these predictions have not been confirmed by published functional studies and their clinical significance is uncertain. This variant has not been reported in the literature in individuals with MYO1E-related conditions. This variant is present in population databases (rs781544197, ExAC 0.001%). This sequence change replaces asparagine with serine at codon 570 of the MYO1E protein (p.Asn570Ser). The asparagine residue is highly conserved and there is a small physicochemical difference between asparagine and serine.

NM_004998.4(MYO1E):c.1709A>G (p.Asn570Ser)

Gene: MYO1E (myosin IE; minus strand). Cytogenetic location: 15q22.2.
Variant type: single nucleotide variant.
Coding change: c.1709A>G on transcript NM_004998.4 (MANE Select); coding-DNA position 1709, A replaced by G.
Protein change: p.Asn570Ser; replaces asparagine 570 with serine.
Molecular consequence: missense variant.
Genome position (GRCh38, 1-based): chr15:59,195,557, T>C on the plus strand (A>G on the coding strand, the complement: MYO1E is on the minus strand). VCF-style: chr15-59195557-T-C. GRCh37 (hg19) VCF-style: chr15-59487756-T-C.
Other names: short protein forms N570S.
Identifiers: ClinVar variation 1053007 (VCV001053007.10), dbSNP rs781544197, ClinGen allele CA7589516.